The following is an entry in ClinVar:

NM_001243133.2(NLRP3):c.1431C>A (p.Asn477Lys)

Gene: NLRP3 (NLR family pyrin domain containing 3; plus strand). Cytogenetic location: 1q44.
Variant type: single nucleotide variant.
Coding change: c.1431C>A on transcript NM_001243133.2 (MANE Select); coding-DNA position 1431, C replaced by A.
Protein change: p.Asn477Lys; replaces asparagine 477 with lysine.
Molecular consequence: missense variant.
Genome position (GRCh38, 1-based): chr1:247,424,880, C>A. VCF-style: chr1-247424880-C-A. GRCh37 (hg19) VCF-style: chr1-247588182-C-A.
Other names: c.1431C>A, p.Asn477Lys (NM_001079821.3, NM_001127461.3, NM_001127462.3 and 1 more transcripts); c.1437C>A, p.Asn479Lys (NM_004895.5); short protein forms N479K, N477K.
Identifiers: ClinVar variation 97932 (VCV000097932.1), dbSNP rs180177485, ClinGen allele CA281209.

ClinVar aggregate classification (germline): not provided (0 of 4 stars; one submission).

Conditions:
Familial cold autoinflammatory syndrome 1 (FCAS1). Also called: CRYOPYRIN-ASSOCIATED PERIODIC SYNDROME 1; Familial cold inflammatory syndrome 1. Identifiers: Orphanet 47045, MedGen C4551895, MONDO:0007349, OMIM 120100.

Submission:

Unité médicale des maladies autoinflammatoires, CHRU Montpellier
No classification provided. Condition: Familial cold urticaria. Review status: no classification provided. Collection method: not provided. Allele origin: unknown.
Comment: also involved in OMIM 191900 and 607115